The following is an entry in ClinVar:

NM_006231.4(POLE):c.4694G>T (p.Cys1565Phe)

Gene: POLE (DNA polymerase epsilon, catalytic subunit; minus strand). Cytogenetic location: 12q24.33.
Variant type: single nucleotide variant.
Coding change: c.4694G>T on transcript NM_006231.4 (MANE Select); coding-DNA position 4694, G replaced by T.
Protein change: p.Cys1565Phe; replaces cysteine 1565 with phenylalanine.
Molecular consequence: missense variant.
Genome position (GRCh38, 1-based): chr12:132,642,854, C>A on the plus strand (G>T on the coding strand, the complement: POLE is on the minus strand). VCF-style: chr12-132642854-C-A. GRCh37 (hg19) VCF-style: chr12-133219440-C-A.
Other names: short protein forms C1565F.
Identifiers: ClinVar variation 1481091 (VCV001481091.8), dbSNP rs2138539330, ClinGen allele CA387378753.

ClinVar aggregate classification (germline): Uncertain significance (1 of 4 stars; one submission).

Submission:

Labcorp Genetics (formerly Invitae), Labcorp
Classification: Uncertain significance. Last evaluated: 2021-02-12. Review status: criteria provided, single submitter. Criteria: Invitae Variant Classification Sherloc (09022015). Collection method: clinical testing. Allele origin: germline.
Comment: This variant is not present in population databases (ExAC no frequency). This sequence change replaces cysteine with phenylalanine at codon 1565 of the POLE protein (p.Cys1565Phe). The cysteine residue is weakly conserved and there is a large physicochemical difference between cysteine and phenylalanine. In summary, the available evidence is currently insufficient to determine the role of this variant in disease. Therefore, it has been classified as a Variant of Uncertain Significance. Algorithms developed to predict the effect of missense changes on protein structure and function (SIFT, PolyPhen-2, Align-GVGD) all suggest that this variant is likely to be tolerated, but these predictions have not been confirmed by published functional studies and their clinical significance is uncertain. This variant has not been reported in the literature in individuals with POLE-related conditions.